The following is an entry in ClinVar:

ClinVar aggregate classification (germline): Uncertain significance (1 of 4 stars; one submission).

Conditions:
Nemaline myopathy 9 (NEM9). Identifiers: MedGen C3810384, MONDO:0014326, OMIM 615731.

Submission:

Labcorp Genetics (formerly Invitae), Labcorp
Classification: Uncertain significance for Nemaline myopathy 9. Last evaluated: 2020-05-21. Review status: criteria provided, single submitter. Criteria: Invitae Variant Classification Sherloc (09022015). Collection method: clinical testing. Allele origin: germline.
Comment: In summary, the available evidence is currently insufficient to determine the role of this variant in disease. Therefore, it has been classified as a Variant of Uncertain Significance. Algorithms developed to predict the effect of missense changes on protein structure and function are either unavailable or do not agree on the potential impact of this missense change (SIFT: "Deleterious"; PolyPhen-2: "Probably Damaging"; Align-GVGD: "Class C0"). This variant has not been reported in the literature in individuals with KLHL41-related conditions. This variant is not present in population databases (ExAC no frequency). This sequence change replaces isoleucine with methionine at codon 106 of the KLHL41 protein (p.Ile106Met). The isoleucine residue is highly conserved and there is a small physicochemical difference between isoleucine and methionine.

NM_006063.3(KLHL41):c.318T>G (p.Ile106Met)

Gene: KLHL41 (kelch like family member 41; plus strand). Cytogenetic location: 2q31.1.
Variant type: single nucleotide variant.
Coding change: c.318T>G on transcript NM_006063.3 (MANE Select); coding-DNA position 318, T replaced by G.
Protein change: p.Ile106Met; replaces isoleucine 106 with methionine.
Molecular consequence: missense variant.
Genome position (GRCh38, 1-based): chr2:169,510,096, T>G. VCF-style: chr2-169510096-T-G. GRCh37 (hg19) VCF-style: chr2-170366606-T-G.
Other names: short protein forms I106M.
Identifiers: ClinVar variation 1011255 (VCV001011255.8), dbSNP rs1684007542, ClinGen allele CA349174053.